The following is an entry in ClinVar:

NM_005751.5(AKAP9):c.8501T>C (p.Leu2834Pro)

Gene: AKAP9 (A-kinase anchoring protein 9; plus strand). Cytogenetic location: 7q21.2.
Variant type: single nucleotide variant.
Coding change: c.8501T>C on transcript NM_005751.5 (MANE Select); coding-DNA position 8501, T replaced by C.
Protein change: p.Leu2834Pro; replaces leucine 2834 with proline.
Molecular consequence: missense variant.
Genome position (GRCh38, 1-based): chr7:92,083,510, T>C. VCF-style: chr7-92083510-T-C. GRCh37 (hg19) VCF-style: chr7-91712824-T-C.
Other names: c.3146T>C, p.Leu1049Pro (NM_001379277.1); c.8477T>C, p.Leu2826Pro (NM_147185.3); short protein forms L1049P, L2834P, L2826P.
Identifiers: ClinVar variation 3106979 (VCV003106979.2), dbSNP rs1343554455, ClinGen allele CA368139347.

ClinVar aggregate classification (germline): Uncertain significance (1 of 4 stars; one submission).

Conditions:
Cardiovascular phenotype. Identifiers: MedGen CN230736.

Allele frequency attached by ClinVar (database versions not stated): gnomAD exomes below 0.00001; gnomAD 0.00001.

Submission:

Ambry Genetics
Classification: Uncertain significance for Cardiovascular phenotype. Last evaluated: 2025-03-23. Review status: criteria provided, single submitter. Criteria: Ambry Variant Classification Scheme 2023. Collection method: clinical testing. Allele origin: germline.
Comment: The p.L2834P variant (also known as c.8501T>C), located in coding exon 33 of the AKAP9 gene, results from a T to C substitution at nucleotide position 8501. The leucine at codon 2834 is replaced by proline, an amino acid with similar properties. This amino acid position is conserved. In addition, the in silico prediction for this alteration is inconclusive. Based on the available evidence, the clinical significance of this variant remains unclear.